The following is an entry in ClinVar:

ClinVar aggregate classification (germline): Uncertain significance (1 of 4 stars; one submission).

Conditions:
Aortic aneurysm, familial thoracic 7 (AAT7). Also called: AORTIC DISSECTION, FAMILIAL, WITH OR WITHOUT AORTIC ANEURYSM. Identifiers: MedGen C3151077, MONDO:0013418, OMIM 613780.

Submission:

Labcorp Genetics (formerly Invitae), Labcorp
Classification: Uncertain significance for Aortic aneurysm, familial thoracic 7. Last evaluated: 2023-10-14. Review status: criteria provided, single submitter. Criteria: Invitae Variant Classification Sherloc (09022015). Collection method: clinical testing. Allele origin: germline.
Comment: This sequence change replaces proline, which is neutral and non-polar, with histidine, which is basic and polar, at codon 976 of the MYLK protein (p.Pro976His). This variant is not present in population databases (gnomAD no frequency). This variant has not been reported in the literature in individuals affected with MYLK-related conditions. Advanced modeling of protein sequence and biophysical properties (such as structural, functional, and spatial information, amino acid conservation, physicochemical variation, residue mobility, and thermodynamic stability) performed at Invitae indicates that this missense variant is not expected to disrupt MYLK protein function. In summary, the available evidence is currently insufficient to determine the role of this variant in disease. Therefore, it has been classified as a Variant of Uncertain Significance.

NM_053025.4(MYLK):c.2927C>A (p.Pro976His)

Gene: MYLK (myosin light chain kinase; minus strand). Cytogenetic location: 3q21.1.
Variant type: single nucleotide variant.
Coding change: c.2927C>A on transcript NM_053025.4 (MANE Select); coding-DNA position 2927, C replaced by A.
Protein change: p.Pro976His; replaces proline 976 with histidine.
Molecular consequence: missense variant.
Genome position (GRCh38, 1-based): chr3:123,700,541, G>T on the plus strand (C>A on the coding strand, the complement: MYLK is on the minus strand). VCF-style: chr3-123700541-G-T. GRCh37 (hg19) VCF-style: chr3-123419388-G-T.
Other names: c.2399C>A, p.Pro800His (NM_001321309.2); c.2720C>A, p.Pro907His (NM_053026.4, NM_053028.4); c.2927C>A, p.Pro976His (NM_053027.4); short protein forms P976H, P800H, P907H.
Identifiers: ClinVar variation 2983831 (VCV002983831.3), dbSNP rs2061152157, ClinGen allele CA354230692.